The following is an entry in ClinVar:

ClinVar aggregate classification (germline): Uncertain significance (1 of 4 stars; one submission).

Conditions:
Fanconi anemia (FA). Also called: Fanconi's anemia. Identifiers: Orphanet 84, MedGen C0015625, MeSH D005199, MONDO:0019391.

Submission:

Labcorp Genetics (formerly Invitae), Labcorp
Classification: Uncertain significance for Fanconi anemia. Last evaluated: 2022-11-17. Review status: criteria provided, single submitter. Criteria: Invitae Variant Classification Sherloc (09022015). Collection method: clinical testing. Allele origin: germline.
Comment: This variant has not been reported in the literature in individuals affected with FANCI-related conditions. In summary, the available evidence is currently insufficient to determine the role of this variant in disease. Therefore, it has been classified as a Variant of Uncertain Significance. Algorithms developed to predict the effect of missense changes on protein structure and function (SIFT, PolyPhen-2, Align-GVGD) all suggest that this variant is likely to be tolerated. This variant is not present in population databases (gnomAD no frequency). This sequence change replaces leucine, which is neutral and non-polar, with isoleucine, which is neutral and non-polar, at codon 253 of the FANCI protein (p.Leu253Ile).

NM_001113378.2(FANCI):c.757C>A (p.Leu253Ile)

Gene: FANCI (FA complementation group I; plus strand). Cytogenetic location: 15q26.1.
Variant type: single nucleotide variant.
Coding change: c.757C>A on transcript NM_001113378.2 (MANE Select); coding-DNA position 757, C replaced by A.
Protein change: p.Leu253Ile; replaces leucine 253 with isoleucine.
Molecular consequence: missense variant.
Genome position (GRCh38, 1-based): chr15:89,268,400, C>A. VCF-style: chr15-89268400-C-A. GRCh37 (hg19) VCF-style: chr15-89811631-C-A.
Other names: c.478C>A, p.Leu160Ile (NM_001376910.1); c.757C>A, p.Leu253Ile (NM_001376911.1, NM_018193.3); short protein forms L253I, L160I.
Identifiers: ClinVar variation 2894298 (VCV002894298.3), dbSNP rs2506069733, ClinGen allele CA393740043.